The following is an entry in ClinVar:

NM_014991.6(WDFY3):c.5069T>C (p.Ile1690Thr)

Gene: WDFY3 (WD repeat and FYVE domain containing 3; minus strand). Cytogenetic location: 4q21.23.
Variant type: single nucleotide variant.
Coding change: c.5069T>C on transcript NM_014991.6 (MANE Select); coding-DNA position 5069, T replaced by C.
Protein change: p.Ile1690Thr; replaces isoleucine 1690 with threonine.
Molecular consequence: missense variant.
Genome position (GRCh38, 1-based): chr4:84,765,929, A>G on the plus strand (T>C on the coding strand, the complement: WDFY3 is on the minus strand). VCF-style: chr4-84765929-A-G. GRCh37 (hg19) VCF-style: chr4-85687082-A-G.
Other names: short protein forms I1690T.
Identifiers: ClinVar variation 2504713 (VCV002504713.1), dbSNP rs2532833488, ClinGen allele CA357542779.

ClinVar aggregate classification (germline): Uncertain significance (1 of 4 stars; one submission).

Submission:

GeneDx
Classification: Uncertain significance. Last evaluated: 2022-12-02. Review status: criteria provided, single submitter. Criteria: GeneDx Variant Classification Process June 2021. Collection method: clinical testing. Allele origin: germline. Affected: yes.
Comment: Not observed at significant frequency in large population cohorts (gnomAD); In silico analysis supports that this missense variant has a deleterious effect on protein structure/function; Has not been previously published as pathogenic or benign to our knowledge